The following is an entry in ClinVar:

ClinVar aggregate classification (germline): Uncertain significance (1 of 4 stars; one submission).

Allele frequency attached by ClinVar (database versions not stated): gnomAD exomes below 0.00001; TOPMed below 0.00001; ExAC 0.00001.
gnomAD v4.1: 6 of 1,614,130 alleles (0.00037%); highest among the groups gnomAD compares: South Asian, 0.0033%; no homozygotes.

Submission:

Labcorp Genetics (formerly Invitae), Labcorp
Classification: Uncertain significance. Last evaluated: 2023-11-04. Review status: criteria provided, single submitter. Criteria: Invitae Variant Classification Sherloc (09022015). Collection method: clinical testing. Allele origin: germline.
Comment: This sequence change falls in intron 5 of the EFEMP1 gene. It does not directly change the encoded amino acid sequence of the EFEMP1 protein. It affects a nucleotide within the consensus splice site. This variant is present in population databases (rs774402149, gnomAD 0.006%). This variant has not been reported in the literature in individuals affected with EFEMP1-related conditions. Variants that disrupt the consensus splice site are a relatively common cause of aberrant splicing (PMID: 17576681, 9536098). Algorithms developed to predict the effect of sequence changes on RNA splicing suggest that this variant is not likely to affect RNA splicing. In summary, the available evidence is currently insufficient to determine the role of this variant in disease. Therefore, it has been classified as a Variant of Uncertain Significance.

Literature cited by the submitters: PubMed 17576681; PubMed 9536098.

NM_001039348.3(EFEMP1):c.517+5G>A

Gene: EFEMP1 (EGF-like fibulin extracellular matrix protein 1; minus strand). Cytogenetic location: 2p16.1.
Variant type: single nucleotide variant.
Coding change: c.517+5G>A on transcript NM_001039348.3 (MANE Select); 5 bases into the intron after coding-DNA position 517, G replaced by A.
Molecular consequence: intron variant.
Genome position (GRCh38, 1-based): chr2:55,917,660, C>T on the plus strand (G>A on the coding strand, the complement: EFEMP1 is on the minus strand). VCF-style: chr2-55917660-C-T. GRCh37 (hg19) VCF-style: chr2-56144795-C-T.
Other names: c.517+5G>A (NM_001039349.3).
Identifiers: ClinVar variation 2775736 (VCV002775736.3), dbSNP rs774402149, ClinGen allele CA1668931.